The following is an entry in ClinVar:

NM_004360.5(CDH1):c.1137+106A>G

Gene: CDH1 (cadherin 1; plus strand). Cytogenetic location: 16q22.1.
Variant type: single nucleotide variant.
Coding change: c.1137+106A>G on transcript NM_004360.5 (MANE Select); 106 bases into the intron after coding-DNA position 1137, A replaced by G.
Molecular consequence: intron variant.
Genome position (GRCh38, 1-based): chr16:68,812,369, A>G. VCF-style: chr16-68812369-A-G. GRCh37 (hg19) VCF-style: chr16-68846272-A-G.
Other names: c.-479+106A>G (NM_001317185.2); c.-683+106A>G (NM_001317186.2); c.1137+106A>G (NM_001317184.2).
Identifiers: ClinVar variation 2502940 (VCV002502940.1), dbSNP rs2152132882, ClinGen allele CA2580612845.

ClinVar aggregate classification (germline): Uncertain significance (1 of 4 stars; one submission).

Conditions:
Hereditary diffuse gastric adenocarcinoma (HDGC). Also called: DIFFUSE GASTRIC AND LOBULAR BREAST CANCER SYNDROME. Identifiers: Orphanet 26106, MedGen C1708349, MONDO:0007648, OMIM 137215.

Allele frequency attached by ClinVar (database versions not stated): gnomAD exomes below 0.00001.
gnomAD v4.1: 5 of 1,219,376 alleles (0.00041%); highest among the groups gnomAD compares: Non-Finnish European, 0.0006%; no homozygotes.

Submission:

European Reference Network on Genetic Tumour Risk Syndromes (ERN-GENTURIS), i3s - Instituto de Investigação e Inovação em Saúde, University of Porto
Classification: Uncertain significance for Hereditary diffuse gastric adenocarcinoma. Last evaluated: 2022-08-01. Review status: criteria provided, single submitter. Criteria: Lee et al. (Hum Mutat. 2018). Collection method: clinical testing. Allele origin: germline. Inheritance: Autosomal dominant inheritance. Affected: no. Study: ERN GENTURIS.
Comment: PM2 (PMID: 30311375)

Literature cited by the submitters: PubMed 36436516.